The following is an entry in ClinVar:

NM_004360.5(CDH1):c.367C>A (p.His123Asn)

Gene: CDH1 (cadherin 1; plus strand). Cytogenetic location: 16q22.1.
Variant type: single nucleotide variant.
Coding change: c.367C>A on transcript NM_004360.5 (MANE Select); coding-DNA position 367, C replaced by A.
Protein change: p.His123Asn; replaces histidine 123 with asparagine.
Molecular consequence: missense variant. On other transcripts: 5 prime UTR variant (2).
Genome position (GRCh38, 1-based): chr16:68,801,873, C>A. VCF-style: chr16-68801873-C-A. GRCh37 (hg19) VCF-style: chr16-68835776-C-A.
Other names: c.367C>A (LRG_301t1); c.367C>A, p.His123Asn (NM_001317184.2); c.-1249C>A (NM_001317185.2); c.-1453C>A (NM_001317186.2); short protein forms H123N.
Identifiers: ClinVar variation 532454 (VCV000532454.13), dbSNP rs1555514482, ClinGen allele CA396457471.
Genomic context (GRCh38, chr16:68,801,873, plus strand): 5'-TGGGACTCCACCTACAGAAAGTTTTCCACCAAAGTCACGCTGAATACAGTGGGGCACCAC[C>A]ACCGCCCCCCGCCCCATCAGGTATGTTGGCATTTTTCTGAGAAGTTCGCTGTTGTTTTAG-3'
Protein context (NP_004351.1, residues 113-133): KVTLNTVGHH[His123Asn]RPPPHQASVS

ClinVar aggregate classification (germline): Conflicting classifications of pathogenicity. Review status: criteria provided, conflicting classifications (1 of 4 stars). 2 submissions from 2 submitters: Uncertain significance (1); Likely benign (1). Last evaluated 2026-06-18.

Conditions:
Hereditary cancer-predisposing syndrome. Also called: Hereditary Cancer Syndrome; Tumor predisposition; Hereditary neoplastic syndrome; Neoplastic Syndromes, Hereditary. Identifiers: Orphanet 140162, MedGen C0027672, MeSH D009386, MONDO:0015356.
Hereditary diffuse gastric adenocarcinoma (HDGC). Also called: DIFFUSE GASTRIC AND LOBULAR BREAST CANCER SYNDROME. Identifiers: Orphanet 26106, MedGen C1708349, MONDO:0007648, OMIM 137215.

Allele frequency attached by ClinVar (database versions not stated): gnomAD exomes below 0.00001.
gnomAD v4.1: 1 of 1,614,018 alleles (0.000062%); highest among the groups gnomAD compares: Non-Finnish European, 0.000085%; no homozygotes.

Submissions (2):

Ambry Genetics
Classification: Likely benign for Hereditary cancer-predisposing syndrome. Last evaluated: 2026-06-18. Review status: criteria provided, single submitter. Criteria: Ambry Variant Classification Scheme 2023. Collection method: clinical testing. Allele origin: germline.

Labcorp Genetics (formerly Invitae), Labcorp
Classification: Uncertain significance for Hereditary diffuse gastric adenocarcinoma. Last evaluated: 2025-12-17. Review status: criteria provided, single submitter. Criteria: Invitae Variant Classification Sherloc (09022015). Collection method: clinical testing. Allele origin: germline.
Comment: This sequence change replaces histidine, which is basic and polar, with asparagine, which is neutral and polar, at codon 123 of the CDH1 protein (p.His123Asn). This variant is not present in population databases (gnomAD no frequency). This variant has not been reported in the literature in individuals affected with CDH1-related conditions. ClinVar contains an entry for this variant (Variation ID: 532454). An algorithm developed to predict the effect of missense changes on protein structure and function (PolyPhen-2) suggests that this variant is likely to be tolerated. In summary, the available evidence is currently insufficient to determine the role of this variant in disease. Therefore, it has been classified as a Variant of Uncertain Significance.